The following is an entry in ClinVar:

ClinVar aggregate classification (germline): Uncertain significance (1 of 4 stars; one submission).

Conditions:
Hereditary cancer-predisposing syndrome. Also called: Neoplastic Syndromes, Hereditary; Tumor predisposition; Hereditary neoplastic syndrome; Hereditary Cancer Syndrome. Identifiers: Orphanet 140162, MedGen C0027672, MeSH D009386, MONDO:0015356.

Submission:

Ambry Genetics
Classification: Uncertain significance for Hereditary cancer-predisposing syndrome. Last evaluated: 2023-10-01. Review status: criteria provided, single submitter. Criteria: Ambry Variant Classification Scheme 2023. Collection method: clinical testing. Allele origin: germline.
Comment: The p.R976I variant (also known as c.2927G>T), located in coding exon 12 of the MET gene, results from a G to T substitution at nucleotide position 2927. The arginine at codon 976 is replaced by isoleucine, an amino acid with similar properties. This amino acid position is conserved. In addition, this alteration is predicted to be tolerated by in silico analysis. Since supporting evidence is limited at this time, the clinical significance of this alteration remains unclear.

NM_000245.4(MET):c.2873G>T (p.Arg958Ile)

Gene: MET (MET proto-oncogene, receptor tyrosine kinase; plus strand). Cytogenetic location: 7q31.2.
Variant type: single nucleotide variant.
Coding change: c.2873G>T on transcript NM_000245.4 (MANE Select); coding-DNA position 2873, G replaced by T.
Protein change: p.Arg958Ile; replaces arginine 958 with isoleucine.
Molecular consequence: missense variant.
Genome position (GRCh38, 1-based): chr7:116,771,640, G>T. VCF-style: chr7-116771640-G-T. GRCh37 (hg19) VCF-style: chr7-116411694-G-T.
Other names: c.2927G>T, p.Arg976Ile (NM_001127500.3); c.1583G>T, p.Arg528Ile (NM_001324402.2); short protein forms R528I, R958I, R976I.
Identifiers: ClinVar variation 3232957 (VCV003232957.1), dbSNP rs2116993154, ClinGen allele CA368986759.